The following is an entry in ClinVar:

NM_033215.5(PPP1R3F):c.2137G>A (p.Glu713Lys)

Gene: PPP1R3F (protein phosphatase 1 regulatory subunit 3F; plus strand). Cytogenetic location: Xp11.23.
Variant type: single nucleotide variant.
Coding change: c.2137G>A on transcript NM_033215.5 (MANE Select); coding-DNA position 2137, G replaced by A.
Protein change: p.Glu713Lys; replaces glutamic acid 713 with lysine.
Molecular consequence: missense variant.
Genome position (GRCh38, 1-based): chrX:49,286,827, G>A. VCF-style: chrX-49286827-G-A. GRCh37 (hg19) VCF-style: chrX-49143289-G-A.
Other names: c.1099G>A, p.Glu367Lys (NM_001184745.2); short protein forms E367K, E713K.
Identifiers: ClinVar variation 5038793 (VCV005038793.1).

ClinVar aggregate classification (germline): Likely benign (1 of 4 stars; one submission).

gnomAD v4.1: 61 of 1,199,288 alleles (0.0051%); highest among the groups gnomAD compares: African/African-American, 0.0017%; no homozygotes.

Submission:

CeGaT Center for Human Genetics Tuebingen
Classification: Likely benign. Last evaluated: 2026-08-01. Review status: criteria provided, single submitter. Criteria: CeGaT Center For Human Genetics Tuebingen Variant Classification Criteria Version 2. Collection method: clinical testing. Allele origin: germline. Affected: yes. Observed: 1 variant allele.
Comment: PPP1R3F: BP4, BS2